The following is an entry in ClinVar:

NM_031935.3(HMCN1):c.2411T>C (p.Met804Thr)

Gene: HMCN1 (hemicentin 1; plus strand). Cytogenetic location: 1q31.1.
Variant type: single nucleotide variant.
Coding change: c.2411T>C on transcript NM_031935.3 (MANE Select); coding-DNA position 2411, T replaced by C.
Protein change: p.Met804Thr; replaces methionine 804 with threonine.
Molecular consequence: missense variant.
Genome position (GRCh38, 1-based): chr1:185,977,826, T>C. VCF-style: chr1-185977826-T-C. GRCh37 (hg19) VCF-style: chr1-185946958-T-C.
Other names: c.2411T>C (NM_031935.2); short protein forms M804T.
Identifiers: ClinVar variation 1500790 (VCV001500790.7), dbSNP rs1447338870, ClinGen allele CA343882788.

ClinVar aggregate classification (germline): Uncertain significance. Review status: criteria provided, multiple submitters, no conflicts (2 of 4 stars). 2 submissions from 2 submitters: Uncertain significance (2). Last evaluated 2025-03-28.

Allele frequency attached by ClinVar (database versions not stated): gnomAD exomes below 0.00001.
gnomAD v4.1: 5 of 1,613,312 alleles (0.00031%); highest among the groups gnomAD compares: Non-Finnish European, 0.00034%; no homozygotes.

Submissions (2):

Ambry Genetics
Classification: Uncertain significance. Last evaluated: 2025-03-28. Review status: criteria provided, single submitter. Criteria: Ambry Variant Classification Scheme 2023. Collection method: clinical testing. Allele origin: germline.

Labcorp Genetics (formerly Invitae), Labcorp
Classification: Uncertain significance. Last evaluated: 2022-04-30. Review status: criteria provided, single submitter. Criteria: Invitae Variant Classification Sherloc (09022015). Collection method: clinical testing. Allele origin: germline.
Comment: In summary, the available evidence is currently insufficient to determine the role of this variant in disease. Therefore, it has been classified as a Variant of Uncertain Significance. Algorithms developed to predict the effect of missense changes on protein structure and function (SIFT, PolyPhen-2, Align-GVGD) all suggest that this variant is likely to be tolerated. This variant has not been reported in the literature in individuals affected with HMCN1-related conditions. This variant is not present in population databases (gnomAD no frequency). This sequence change replaces methionine, which is neutral and non-polar, with threonine, which is neutral and polar, at codon 804 of the HMCN1 protein (p.Met804Thr).